The following is an entry in ClinVar:

NM_001042492.3(NF1):c.2450del (p.Met817fs)

Gene: NF1 (neurofibromin 1; plus strand). Cytogenetic location: 17q11.2.
Variant type: Deletion.
Coding change: c.2450del on transcript NM_001042492.3 (MANE Select); coding-DNA position 2450, one base deleted (T; older notation c.2450delT).
Protein change: p.Met817fs; shifts the reading frame from methionine 817.
Molecular consequence: frameshift variant.
Genome position (GRCh38, 1-based): chr17:31,229,065, T deleted. VCF-style (leftmost placement, unchanged base first): chr17-31229064-AT-A. GRCh37 (hg19) VCF-style: chr17-29556082-AT-A.
Other names: c.2450delT, p.Met817Serfs (NM_000267.4); short protein forms M817fs.
Identifiers: ClinVar variation 1073167 (VCV001073167.5), dbSNP rs2151428892, ClinGen allele CA1139770401.

ClinVar aggregate classification (germline): Pathogenic (1 of 4 stars; one submission).

Conditions:
Neurofibromatosis, type 1 (NF1). Also called: VON RECKLINGHAUSEN DISEASE; Peripheral type neurofibromatosis; NEUROFIBROMATOSIS, TYPE I, SOMATIC; Neurofibromatosis, type I. Identifiers: Orphanet 636, MedGen C0027831, MONDO:0018975, OMIM 162200. Disease mechanism: loss of function.

Submission:

Labcorp Genetics (formerly Invitae), Labcorp
Classification: Pathogenic for Neurofibromatosis, type 1. Last evaluated: 2020-08-14. Review status: criteria provided, single submitter. Criteria: Invitae Variant Classification Sherloc (09022015). Collection method: clinical testing. Allele origin: germline.
Comment: For these reasons, this variant has been classified as Pathogenic. Loss-of-function variants in NF1 are known to be pathogenic (PMID: 10712197, 23913538). This sequence change creates a premature translational stop signal (p.Met817Serfs*4) in the NF1 gene. It is expected to result in an absent or disrupted protein product. This variant is not present in population databases (ExAC no frequency). This variant has not been reported in the literature in individuals with NF1-related conditions.

Literature cited by the submitters: PubMed 10712197; PubMed 23913538.